The following is an entry in ClinVar:

NM_012424.6(RPS6KC1):c.626C>T (p.Ser209Phe)

Gene: RPS6KC1 (ribosomal protein S6 kinase C1; plus strand). Cytogenetic location: 1q32.3.
Variant type: single nucleotide variant.
Coding change: c.626C>T on transcript NM_012424.6 (MANE Select); coding-DNA position 626, C replaced by T.
Protein change: p.Ser209Phe; replaces serine 209 with phenylalanine.
Molecular consequence: missense variant. On other transcripts: 5 prime UTR variant (13), non-coding transcript variant (3), intron variant (5).
Genome position (GRCh38, 1-based): chr1:213,129,680, C>T. VCF-style: chr1-213129680-C-T. GRCh37 (hg19) VCF-style: chr1-213303023-C-T.
Other names: c.-589C>T (NM_001349667.2, NM_001349668.2, NM_001349669.2 and 4 more transcripts); c.-496C>T (NM_001349670.2, NM_001349664.2); c.-57+12270C>T (NM_001349658.2); c.472+12270C>T (NM_001349647.2); c.-57+25111C>T (NM_001349657.2); c.-287+25111C>T (NM_001349663.2); c.-380+12270C>T (NM_001349665.2); c.590C>T, p.Ser197Phe (NM_001136138.4); and 5 more; short protein forms S197F, S209F, S28F.
Identifiers: ClinVar variation 1942049 (VCV001942049.6), dbSNP rs751357136, ClinGen allele CA1387219.
Genomic context (GRCh38, chr1:213,129,680, plus strand): 5'-CCATTAGAACTTTTGGTCTCAATCTTTCTTCGGATTCTTCAGCACTAGGGGCTGTTGCTT[C>T]TGACAGTGAACAGAGCAAAACAGAAGAAGAACGGGAAAGTCGTAGCCTCTTTCCTGGCAG-3'
Protein context (NP_036556.2, residues 199-219): SDSSALGAVA[Ser209Phe]DSEQSKTEEE

ClinVar aggregate classification (germline): Uncertain significance. Review status: criteria provided, multiple submitters, no conflicts (2 of 4 stars). 2 submissions from 2 submitters: Uncertain significance (2). Last evaluated 2025-11-26.

Allele frequency attached by ClinVar (database versions not stated): ExAC 0.00002; TOPMed 0.00003; gnomAD 0.00005.
gnomAD v4.1: 14 of 1,613,924 alleles (0.00087%); highest among the groups gnomAD compares: African/African-American, 0.016%; no homozygotes.

Submissions (2):

Ambry Genetics
Classification: Uncertain significance. Last evaluated: 2025-11-26. Review status: criteria provided, single submitter. Criteria: Ambry Variant Classification Scheme 2023. Collection method: clinical testing. Allele origin: germline.

Labcorp Genetics (formerly Invitae), Labcorp
Classification: Uncertain significance. Last evaluated: 2022-09-05. Review status: criteria provided, single submitter. Criteria: Invitae Variant Classification Sherloc (09022015). Collection method: clinical testing. Allele origin: germline.
Comment: This variant is present in population databases (rs751357136, gnomAD 0.008%). In summary, the available evidence is currently insufficient to determine the role of this variant in disease. Therefore, it has been classified as a Variant of Uncertain Significance. Algorithms developed to predict the effect of missense changes on protein structure and function are either unavailable or do not agree on the potential impact of this missense change (SIFT: "Deleterious"; PolyPhen-2: "Benign"; Align-GVGD: "Class C0"). This variant has not been reported in the literature in individuals affected with RPS6KC1-related conditions. This sequence change replaces serine, which is neutral and polar, with phenylalanine, which is neutral and non-polar, at codon 209 of the RPS6KC1 protein (p.Ser209Phe).